The following is an entry in ClinVar:

ClinVar aggregate classification (germline): Pathogenic (1 of 4 stars; one submission).

Conditions:
Hereditary cancer-predisposing syndrome. Also called: Tumor predisposition; Neoplastic Syndromes, Hereditary; Hereditary neoplastic syndrome; Hereditary Cancer Syndrome. Identifiers: Orphanet 140162, MedGen C0027672, MeSH D009386, MONDO:0015356.

Submission:

Ambry Genetics
Classification: Pathogenic for Hereditary cancer-predisposing syndrome. Last evaluated: 2024-10-17. Review status: criteria provided, single submitter. Criteria: Ambry Variant Classification Scheme 2023. Collection method: clinical testing. Allele origin: germline.
Comment: The c.118_125delATTAAACA pathogenic mutation, located in coding exon 2 of the ATM gene, results from a deletion of 8 nucleotides at nucleotide positions 118 to 125, causing a translational frameshift with a predicted alternate stop codon (p.I40Sfs*20). This variant is considered to be rare based on population cohorts in the Genome Aggregation Database (gnomAD). This alteration is expected to result in loss of function by premature protein truncation or nonsense-mediated mRNA decay. As such, this alteration is interpreted as a disease-causing mutation.

NM_000051.4(ATM):c.118_125del (p.Ile40fs)

Gene: ATM (ATM serine/threonine kinase; plus strand). Cytogenetic location: 11q22.3.
Variant type: Deletion.
Coding change: c.118_125del on transcript NM_000051.4 (MANE Select); coding-DNA positions 118 to 125, 8 bases deleted (ATTAAACA; older notation c.118_125delATTAAACA).
Protein change: p.Ile40fs; shifts the reading frame from isoleucine 40.
Molecular consequence: frameshift variant.
Genome position (GRCh38, 1-based): chr11:108,227,821-108,227,828, ATTAAACA deleted; deleting any 8 consecutive bases within chr11:108,227,816-108,227,828 gives the same sequence; the c. name uses the placement nearest the transcript's 3' end. VCF-style (leftmost placement, unchanged base first): chr11-108227815-GAAACAATT-G. GRCh37 (hg19) VCF-style: chr11-108098542-GAAACAATT-G.
Other names: c.118_125del, p.Ile40fs (NM_001351834.2, NM_001351835.2, NM_001351836.2); short protein forms I40fs.
Identifiers: ClinVar variation 3451880 (VCV003451880.1).
Genomic context (GRCh38, chr11:108,227,815, plus strand): 5'-TTATTTCCTTTTTATTTTCAGAAAGAAGTTGAGAAATTTAAGCGCCTGATTCGAGATCCT[GAAACAATT>G]AAACATCTAGATCGGCATTCAGATTCCAAACAAGGAAAATATTTGAATTGGGATGCTGTT-3'